The following is an entry in ClinVar:

NM_005732.4(RAD50):c.1684G>C (p.Glu562Gln)

Gene: RAD50 (RAD50 double strand break repair protein; plus strand). Cytogenetic location: 5q31.1.
Variant type: single nucleotide variant.
Coding change: c.1684G>C on transcript NM_005732.4 (MANE Select); coding-DNA position 1684, G replaced by C.
Protein change: p.Glu562Gln; replaces glutamic acid 562 with glutamine.
Molecular consequence: missense variant.
Genome position (GRCh38, 1-based): chr5:132,591,925, G>C. VCF-style: chr5-132591925-G-C. GRCh37 (hg19) VCF-style: chr5-131927617-G-C.
Other names: short protein forms E562Q.
Identifiers: ClinVar variation 4824495 (VCV004824495.1).

ClinVar aggregate classification (germline): Uncertain significance (1 of 4 stars; one submission).

Conditions:
Hereditary cancer-predisposing syndrome. Also called: Neoplastic Syndromes, Hereditary; Hereditary neoplastic syndrome; Tumor predisposition; Hereditary Cancer Syndrome. Identifiers: Orphanet 140162, MedGen C0027672, MeSH D009386, MONDO:0015356.

gnomAD v4.1: 6 of 1,609,434 alleles (0.00037%); highest among the groups gnomAD compares: Non-Finnish European, 0.00051%; no homozygotes.

Submission:

Ambry Genetics
Classification: Uncertain significance for Hereditary cancer-predisposing syndrome. Last evaluated: 2026-01-20. Review status: criteria provided, single submitter. Criteria: Ambry Variant Classification Scheme 2023. Collection method: clinical testing. Allele origin: germline.
Comment: The p.E562Q variant (also known as c.1684G>C), located in coding exon 11 of the RAD50 gene, results from a G to C substitution at nucleotide position 1684. The glutamic acid at codon 562 is replaced by glutamine, an amino acid with highly similar properties. This amino acid position is conserved. In addition, this alteration is predicted to be tolerated by in silico analysis. Based on the available evidence, the clinical significance of this variant remains unclear.